The following is an entry in ClinVar:

NM_015072.5(TTLL5):c.3662C>A (p.Ser1221Tyr)

Gene: TTLL5 (tubulin tyrosine ligase like 5; plus strand). Cytogenetic location: 14q24.3.
Variant type: single nucleotide variant.
Coding change: c.3662C>A on transcript NM_015072.5 (MANE Select); coding-DNA position 3662, C replaced by A.
Protein change: p.Ser1221Tyr; replaces serine 1221 with tyrosine.
Molecular consequence: missense variant.
Genome position (GRCh38, 1-based): chr14:75,882,824, C>A. VCF-style: chr14-75882824-C-A. GRCh37 (hg19) VCF-style: chr14-76349167-C-A.
Other names: short protein forms S1221Y.
Identifiers: ClinVar variation 1449865 (VCV001449865.5), dbSNP rs1234999111, ClinGen allele CA390537028.
Genomic context (GRCh38, chr14:75,882,824, plus strand): 5'-CCACAGCTAGTGGCCAGAAGCCAACCACTCTGCCACAAAAAGTGGTACCACCTCCAAGTT[C>A]TTGCGCCTCCCTGGTTCCCAAACCCCCACCCAACCACGAACAAGTGCTCAGAAGGGCAAC-3'
Protein context (NP_055887.3, residues 1211-1231): LPQKVVPPPS[Ser1221Tyr]CASLVPKPPP

ClinVar aggregate classification (germline): Uncertain significance (1 of 4 stars; one submission).

Allele frequency attached by ClinVar (database versions not stated): TOPMed below 0.00001; gnomAD exomes below 0.00001; gnomAD 0.00001.
gnomAD v4.1: 7 of 1,614,074 alleles (0.00043%); highest among the groups gnomAD compares: Non-Finnish European, 0.00059%; no homozygotes.

Submission:

Labcorp Genetics (formerly Invitae), Labcorp
Classification: Uncertain significance. Last evaluated: 2022-09-13. Review status: criteria provided, single submitter. Criteria: Invitae Variant Classification Sherloc (09022015). Collection method: clinical testing. Allele origin: germline.
Comment: This sequence change replaces serine, which is neutral and polar, with tyrosine, which is neutral and polar, at codon 1221 of the TTLL5 protein (p.Ser1221Tyr). This variant is present in population databases (no rsID available, gnomAD 0.002%). This variant has not been reported in the literature in individuals affected with TTLL5-related conditions. ClinVar contains an entry for this variant (Variation ID: 1449865). Advanced modeling of protein sequence and biophysical properties (such as structural, functional, and spatial information, amino acid conservation, physicochemical variation, residue mobility, and thermodynamic stability) performed at Invitae indicates that this missense variant is not expected to disrupt TTLL5 protein function. In summary, the available evidence is currently insufficient to determine the role of this variant in disease. Therefore, it has been classified as a Variant of Uncertain Significance.